The following is an entry in ClinVar:

ClinVar aggregate classification (germline): Likely pathogenic (1 of 4 stars; one submission).

Conditions:
Breast-ovarian cancer, familial, susceptibility to, 4. Identifiers: Orphanet 145, MedGen C3280345, MONDO:0013669, OMIM 614291.

Submission:

Myriad Genetics, Inc.
Classification: Likely pathogenic for Breast-ovarian cancer, familial, susceptibility to, 4. Last evaluated: 2023-11-30. Review status: criteria provided, single submitter. Criteria: Myriad Autosomal Dominant, Autosomal Recessive and X-Linked Classification Criteria (2023). Collection method: clinical testing. Allele origin: unknown.
Comment: This variant is considered likely pathogenic. This variant creates a frameshift predicted to result in premature protein truncation.

NM_002878.4(RAD51D):c.763_764del (p.Arg255fs)

Genes: RAD51L3-RFFL (RAD51L3-RFFL readthrough; minus strand), RAD51D (RAD51 paralog D; minus strand). Cytogenetic location: 17q12.
Variant type: Deletion.
Coding change: c.763_764del on transcript NM_002878.4 (MANE Select); coding-DNA positions 763 to 764, 2 bases deleted (AG; older notation c.763_764delAG).
Protein change: p.Arg255fs; shifts the reading frame from arginine 255.
Molecular consequence: frameshift variant. On other transcripts: non-coding transcript variant (3).
Genome position (GRCh38, 1-based): chr17:35,101,340-35,101,341, CT deleted on the plus strand (AG on the coding strand, the reverse complement: RAD51D is on the minus strand). VCF-style (leftmost placement, unchanged base first): chr17-35101339-CCT-C. GRCh37 (hg19) VCF-style: chr17-33428358-CCT-C.
Other names: c.823_824del, p.Arg275fs (NM_001142571.2); c.427_428del, p.Arg143fs (NM_133629.3); short protein forms R143fs, R255fs, R275fs.
Identifiers: ClinVar variation 2673894 (VCV002673894.1), dbSNP rs2509125158, ClinGen allele CA2695201317.